The following is an entry in ClinVar:

NM_178170.3(NEK8):c.140del (p.Ala47fs)

Gene: NEK8 (NIMA related kinase 8; plus strand). Cytogenetic location: 17q11.2.
Variant type: Deletion.
Coding change: c.140del on transcript NM_178170.3 (MANE Select); coding-DNA position 140, one base deleted (C; older notation c.140delC).
Protein change: p.Ala47fs; shifts the reading frame from alanine 47.
Molecular consequence: frameshift variant.
Genome position (GRCh38, 1-based): chr17:28,734,075, C deleted. VCF-style (leftmost placement, unchanged base first): chr17-28734074-GC-G. GRCh37 (hg19) VCF-style: chr17-27061092-GC-G.
Other names: short protein forms A47fs.
Identifiers: ClinVar variation 5005722 (VCV005005722.2).
Genomic context (GRCh38, chr17:28,734,074, plus strand): 5'-CAGAAGCTGGTGATCATCAAGCAGATTCCAGTGGAACAGATGACCAAGGAAGAGCGGCAG[GC>G]AGCCCAGAATGAGTGCCAGGTCCTCAAGCTGCTCAACCACCCCAATGTCATTGAGTACTA-3'

ClinVar aggregate classification (germline): Likely pathogenic (1 of 4 stars; one submission).

Conditions:
Renal-hepatic-pancreatic dysplasia 2 (RHPD2). Identifiers: MedGen C3809434, MONDO:0014174, OMIM 615415.
Nephronophthisis 9 (NPHP9). Identifiers: Orphanet 655, MedGen C3151188, MONDO:0013444, OMIM 613824.

Submission:

Juno Genomics, Hangzhou Juno Genomics, Inc
Classification: Likely pathogenic for Nephronophthisis 9; Renal-hepatic-pancreatic dysplasia 2. Review status: criteria provided, single submitter. Criteria: ACMG Guidelines, 2015. Collection method: clinical testing. Allele origin: germline.
Comment: Null variant in a gene where loss of function (LOF) is a known mechanism of disease.;Absent from controls (or at extremely low frequency if recessive) in Genome Aggregation Database.